The following is an entry in ClinVar:

NM_001283009.2(RTEL1):c.2971C>G (p.Gln991Glu)

Genes: RTEL1 (regulator of telomere elongation helicase 1; plus strand), RTEL1-TNFRSF6B (RTEL1-TNFRSF6B readthrough (NMD candidate); plus strand). Cytogenetic location: 20q13.33.
Variant type: single nucleotide variant.
Coding change: c.2971C>G on transcript NM_001283009.2 (MANE Select); coding-DNA position 2971, C replaced by G.
Protein change: p.Gln991Glu; replaces glutamine 991 with glutamic acid.
Molecular consequence: missense variant. On other transcripts: non-coding transcript variant (1).
Genome position (GRCh38, 1-based): chr20:63,693,262, C>G. VCF-style: chr20-63693262-C-G. GRCh37 (hg19) VCF-style: chr20-62324615-C-G.
Other names: c.2302C>G, p.Gln768Glu (NM_001283010.1); c.2971C>G, p.Gln991Glu (NM_016434.4); c.3043C>G, p.Gln1015Glu (NM_032957.5); short protein forms Q1015E, Q991E, Q768E.
Identifiers: ClinVar variation 3791065 (VCV003791065.1).
Genomic context (GRCh38, chr20:63,693,262, plus strand): 5'-CTGACAGGACGAGGCTGTGGCTATCGGCCTGAGCACAGCATTCCCCGAAGGCAGCGGGCA[C>G]AGCCGGTCCTGGACCCCACTGGTAAATGGGGCCCCAGGTGGGACCCTCAGACTCCTGCGT-3'
Protein context (NP_001269938.1, residues 981-1001): EHSIPRRQRA[Gln991Glu]PVLDPTGRTA

ClinVar aggregate classification (germline): Uncertain significance (1 of 4 stars; one submission).

Conditions:
Inborn genetic diseases. Identifiers: MedGen C0950123, MeSH D030342.

gnomAD v4.1: 5 of 1,611,890 alleles (0.00031%); highest among the groups gnomAD compares: South Asian, 0.0033%; no homozygotes.

Submission:

Ambry Genetics
Classification: Uncertain significance for Inborn genetic diseases. Last evaluated: 2025-01-14. Review status: criteria provided, single submitter. Criteria: Ambry Variant Classification Scheme 2023. Collection method: clinical testing. Allele origin: germline.
Comment: The p.Q991E variant (also known as c.2971C>G), located in coding exon 29 of the RTEL1 gene, results from a C to G substitution at nucleotide position 2971. The glutamine at codon 991 is replaced by glutamic acid, an amino acid with highly similar properties. This amino acid position is conserved. In addition, this alteration is predicted to be tolerated by in silico analysis. Based on the available evidence, the clinical significance of this variant remains unclear.